The following is an entry in ClinVar:

NM_000018.4(ACADVL):c.138+5G>A

Genes: ACADVL (acyl-CoA dehydrogenase very long chain; plus strand), LOC130060113 (ATAC-STARR-seq lymphoblastoid silent region 8088; plus strand). Cytogenetic location: 17p13.1.
Variant type: single nucleotide variant.
Coding change: c.138+5G>A on transcript NM_000018.4 (MANE Select); 5 bases into the intron after coding-DNA position 138, G replaced by A.
Molecular consequence: intron variant.
Genome position (GRCh38, 1-based): chr17:7,220,202, G>A. VCF-style: chr17-7220202-G-A. GRCh37 (hg19) VCF-style: chr17-7123521-G-A.
Other names: c.207+5G>A (NM_001270447.2); c.-91+5G>A (NM_001270448.2); c.138+5G>A (NM_001033859.3).
Identifiers: ClinVar variation 932882 (VCV000932882.10), dbSNP rs2071124642, ClinGen allele CA1139665135.

ClinVar aggregate classification (germline): Uncertain significance. Review status: criteria provided, multiple submitters, no conflicts (2 of 4 stars). 3 submissions from 3 submitters: Uncertain significance (2). 1 of the submissions does not count toward it. Last evaluated 2020-10-16.

Conditions:
Very long chain acyl-CoA dehydrogenase deficiency (ACADVLD). Also called: Very Long-Chain Acyl-Coenzyme A Dehydrogenase Deficiency; VLCAD Deficiency. Identifiers: Orphanet 26793, MedGen C3887523, MONDO:0008723, OMIM 201475.

Allele frequency attached by ClinVar (database versions not stated): gnomAD exomes below 0.00001.
gnomAD v4.1: 3 of 1,531,906 alleles (0.0002%); highest among the groups gnomAD compares: Non-Finnish European, 0.00026%; no homozygotes.

Submissions (3):

Labcorp Genetics (formerly Invitae), Labcorp
Classification: Uncertain significance for Very long chain acyl-CoA dehydrogenase deficiency. Last evaluated: 2020-10-16. Review status: criteria provided, single submitter. Criteria: Invitae Variant Classification Sherloc (09022015). Collection method: clinical testing. Allele origin: germline.
Comment: This sequence change falls in intron 2 of the ACADVL gene. It does not directly change the encoded amino acid sequence of the ACADVL protein. It affects a nucleotide within the consensus splice site of the intron. The frequency data for this variant in the population databases is considered unreliable, as metrics indicate insufficient coverage at this position in the ExAC database. This variant has not been reported in the literature in individuals with ACADVL-related conditions. ClinVar contains an entry for this variant (Variation ID: 932882). Nucleotide substitutions within the consensus splice site are a relatively common cause of aberrant splicing (PMID: 17576681, 9536098). Algorithms developed to predict the effect of sequence changes on RNA splicing suggest that this variant may disrupt the consensus splice site, but this prediction has not been confirmed by published transcriptional studies. In summary, the available evidence is currently insufficient to determine the role of this variant in disease. Therefore, it has been classified as a Variant of Uncertain Significance.

Wong Mito Lab, Molecular and Human Genetics, Baylor College of Medicine
Classification: Uncertain significance for Very long chain acyl-CoA dehydrogenase deficiency. Last evaluated: 2019-11-01. Review status: criteria provided, single submitter. Criteria: ACMG Guidelines, 2015. Collection method: clinical testing. Allele origin: germline.
Comment: The NM_000018.3:c.138+5G>A (NP_000009.1:p.?) [GRCH38: NC_000017.11:g.7220202G>A] variant in ACADVL gene is interpretated to be Uncertain Significance based on ACMG guidelines (PMID: 25741868). This variant has been reported. This variant dose not meet any evidence codes reported in the ACMG guidelines.

Natera, Inc.
Classification: Uncertain significance for Very long chain acyl-CoA dehydrogenase deficiency. Last evaluated: 2020-03-16. Review status: no assertion criteria provided. Collection method: clinical testing. Allele origin: germline. Not counted in ClinVar's aggregate classification.

Literature cited by the submitters: PubMed 17576681 (cited by Labcorp Genetics (formerly Invitae), Labcorp); PubMed 9536098 (cited by Labcorp Genetics (formerly Invitae), Labcorp).